The following is an entry in ClinVar:

ClinVar aggregate classification (germline): Benign (1 of 4 stars; one submission).

Submission:

Women's Health and Genetics/Laboratory Corporation of America, LabCorp
Classification: Benign. Last evaluated: 2022-03-08. Review status: criteria provided, single submitter. Criteria: LabCorp Variant Classification Summary - May 2015. Collection method: clinical testing. Allele origin: germline.
Comment: Variant summary: GALT c.-842_-837dupTTTTTT is located in the untranscribed region upstream of the GALT gene region. The variant allele was found at a frequency of 0.0095 in 19482 control chromosomes, predominantly at a frequency of 0.021 within the African or African-American subpopulation in the gnomAD database, including 4 homozygotes. The observed variant frequency within African or African-American control individuals in the gnomAD database is approximately 7.27 fold of the estimated maximal expected allele frequency for a pathogenic variant in GALT causing Galactosemia phenotype (0.0029), strongly suggesting that the variant is a benign polymorphism found primarily in populations of African or African-American origin. No clinical diagnostic laboratories have submitted clinical-significance assessments for this variant to ClinVar after 2014. Based on the evidence outlined above, the variant was classified as benign.

NM_000155.3(GALT):c.-842_-837dupTTTTTT

Gene: GALT (galactose-1-phosphate uridylyltransferase; plus strand). Cytogenetic location: 9p13.3.
Variant type: Duplication.
Coding change: c.-842_-837dupTTTTTT on transcript NM_000155.3; 842 bases upstream of the start codon through 837 bases upstream of the start codon, 6 bases duplicated (TTTTTT).
Genome position (GRCh38, 1-based): chr9:34,645,863-34,645,868, TTTTTT duplicated; duplicating any 6 consecutive bases within chr9:34,645,849-34,645,868 gives the same sequence; the c. name uses the placement nearest the transcript's 3' end. VCF-style (leftmost placement, unchanged base first): chr9-34645848-A-ATTTTTT. GRCh37 (hg19) VCF-style: chr9-34645845-A-ATTTTTT.
Identifiers: ClinVar variation 1677032 (VCV001677032.3), dbSNP rs549043849, ClinGen allele CA587243225.
Genomic context (GRCh38, chr9:34,645,848, plus strand): 5'-TCTCCTGCCTCAGCCTCCCGAGTAGGTGGGACTACAGGTGCACGCCACCAAGACCAGCTA[A>ATTTTTT]TTTTTTTTTTTTTTTTTTTTACTAGAGACGGGGTTTCACCATGTTGGCCAGGATGGTCTC-3'